The following is an entry in ClinVar:

NM_000051.4(ATM):c.4436+20C>G

Gene: ATM (ATM serine/threonine kinase; plus strand). Cytogenetic location: 11q22.3.
Variant type: single nucleotide variant.
Coding change: c.4436+20C>G on transcript NM_000051.4 (MANE Select); 20 bases into the intron after coding-DNA position 4436, C replaced by G.
Molecular consequence: intron variant.
Genome position (GRCh38, 1-based): chr11:108,289,821, C>G. VCF-style: chr11-108289821-C-G. GRCh37 (hg19) VCF-style: chr11-108160548-C-G.
Other names: c.4436+20C>G (NM_001351834.2).
Identifiers: ClinVar variation 389517 (VCV000389517.1), dbSNP rs1057523454, ClinGen allele CA16606810.

ClinVar aggregate classification (germline): Likely benign (1 of 4 stars; one submission).

Submission:

GeneDx
Classification: Likely benign. Last evaluated: 2016-09-20. Review status: criteria provided, single submitter. Criteria: GeneDx Variant Classification (06012015). Collection method: clinical testing. Allele origin: germline. Affected: yes.
Comment: This variant is considered likely benign or benign based on one or more of the following criteria: it is a conservative change, it occurs at a poorly conserved position in the protein, it is predicted to be benign by multiple in silico algorithms, and/or has population frequency not consistent with disease.